The following is an entry in ClinVar:

NM_018699.4(PRDM5):c.1300T>G (p.Cys434Gly)

Gene: PRDM5 (PR/SET domain 5; minus strand). Cytogenetic location: 4q27.
Variant type: single nucleotide variant.
Coding change: c.1300T>G on transcript NM_018699.4 (MANE Select); coding-DNA position 1300, T replaced by G.
Protein change: p.Cys434Gly; replaces cysteine 434 with glycine.
Molecular consequence: missense variant.
Genome position (GRCh38, 1-based): chr4:120,781,286, A>C on the plus strand (T>G on the coding strand, the complement: PRDM5 is on the minus strand). VCF-style: chr4-120781286-A-C. GRCh37 (hg19) VCF-style: chr4-121702441-A-C.
Other names: c.1207T>G, p.Cys403Gly (NM_001300823.2, NM_001300824.2, NM_001379106.1); c.1333T>G, p.Cys445Gly (NM_001379104.1); short protein forms C403G, C434G, C445G.
Identifiers: ClinVar variation 3227137 (VCV003227137.1), dbSNP rs2477153908, ClinGen allele CA358209239.

ClinVar aggregate classification (germline): Uncertain significance (1 of 4 stars; one submission).

Conditions:
Cardiovascular phenotype. Identifiers: MedGen CN230736.

Allele frequency attached by ClinVar (database versions not stated): gnomAD exomes below 0.00001.
gnomAD v4.1: 2 of 1,613,078 alleles (0.00012%); highest among the groups gnomAD compares: Non-Finnish European, 0.00017%; no homozygotes.

Submission:

Ambry Genetics
Classification: Uncertain significance for Cardiovascular phenotype. Last evaluated: 2024-03-01. Review status: criteria provided, single submitter. Criteria: Ambry Variant Classification Scheme 2023. Collection method: clinical testing. Allele origin: germline.
Comment: The p.C434G variant (also known as c.1300T>G), located in coding exon 12 of the PRDM5 gene, results from a T to G substitution at nucleotide position 1300. The cysteine at codon 434 is replaced by glycine, an amino acid with highly dissimilar properties. This amino acid position is conserved. In addition, this alteration is predicted to be deleterious by in silico analysis. Based on the available evidence, the clinical significance of this alteration remains unclear.